The following is an entry in ClinVar:

NM_006767.4(LZTR1):c.1785+21A>G

Gene: LZTR1 (leucine zipper like post translational regulator 1; plus strand). Cytogenetic location: 22q11.21.
Variant type: single nucleotide variant.
Coding change: c.1785+21A>G on transcript NM_006767.4 (MANE Select); 21 bases into the intron after coding-DNA position 1785, A replaced by G.
Molecular consequence: intron variant.
Genome position (GRCh38, 1-based): chr22:20,994,748, A>G. VCF-style: chr22-20994748-A-G. GRCh37 (hg19) VCF-style: chr22-21349037-A-G.
Identifiers: ClinVar variation 561418 (VCV000561418.16), dbSNP rs178292, ClinGen allele CA10119060.
Genomic context (GRCh38, chr22:20,994,748, plus strand): 5'-GTGCGAGAGTGCCGCCCGGCTGCAGCTGAGCCAACTCAAGGTGTGGGGTGGGGTCAGCGC[A>G]ATCAGGGTTGGGTGGGGTGTGCTCAGGCTTAGGCCCCCTCCCTGCCCACCACTGTGAGCC-3'

ClinVar aggregate classification (germline): Benign. Review status: criteria provided, multiple submitters, no conflicts (2 of 4 stars). 7 submissions from 7 submitters: Benign (5). 2 of the submissions do not count toward it. Last evaluated 2026-01-05.

Conditions:
Cardiovascular phenotype. Identifiers: MedGen CN230736.
Hereditary cancer-predisposing syndrome. Also called: Hereditary neoplastic syndrome; Neoplastic Syndromes, Hereditary; Tumor predisposition; Hereditary Cancer Syndrome. Identifiers: Orphanet 140162, MedGen C0027672, MeSH D009386, MONDO:0015356.

Allele frequency attached by ClinVar (database versions not stated): 1000 Genomes Project 0.75220; 1000 Genomes Project 30x 0.75796; gnomAD 0.80067; ESP Exome Variant Server 0.80308; TOPMed 0.81506.
gnomAD v4.1: 1,237,940 of 1,609,302 alleles (77%); highest among the groups gnomAD compares: African/African-American, 89%; 479,104 homozygotes.

Submissions (7):

Labcorp Genetics (formerly Invitae), Labcorp
Classification: Benign. Last evaluated: 2026-01-05. Review status: criteria provided, single submitter. Criteria: Invitae Variant Classification Sherloc (09022015). Collection method: clinical testing. Allele origin: germline.

Ambry Genetics
Classification: Benign for Cardiovascular phenotype; Hereditary cancer-predisposing syndrome. Last evaluated: 2020-07-28. Review status: criteria provided, single submitter. Criteria: Ambry Variant Classification Scheme 2023. Collection method: clinical testing. Allele origin: germline.

Women's Health and Genetics/Laboratory Corporation of America, LabCorp
Classification: Benign. Last evaluated: 2020-05-05. Review status: criteria provided, single submitter. Criteria: LabCorp Variant Classification Summary - May 2015. Collection method: clinical testing. Allele origin: germline.

GeneDx
Classification: Benign. Last evaluated: 2018-06-14. Review status: criteria provided, single submitter. Criteria: GeneDx Variant Classification (06012015). Collection method: clinical testing. Allele origin: germline. Affected: yes.
Comment: This variant is considered likely benign or benign based on one or more of the following criteria: it is a conservative change, it occurs at a poorly conserved position in the protein, it is predicted to be benign by multiple in silico algorithms, and/or has population frequency not consistent with disease.

Breakthrough Genomics
Classification: Benign. Review status: criteria provided, single submitter. Criteria: ACMG Guidelines, 2015. Collection method: not provided. Allele origin: germline. Inheritance: Autosomal recessive inheritance. Affected: yes.

Clinical Genetics DNA and cytogenetics Diagnostics Lab, Erasmus MC, Erasmus Medical Center
Classification: Benign. Review status: no assertion criteria provided. Collection method: clinical testing. Allele origin: germline. Affected: yes. Study: VKGL Data-share Consensus. Not counted in ClinVar's aggregate classification.

Joint Genome Diagnostic Labs from Nijmegen and Maastricht, Radboudumc and MUMC+
Classification: Benign. Review status: no assertion criteria provided. Collection method: clinical testing. Allele origin: germline. Affected: yes. Study: VKGL Data-share Consensus. Not counted in ClinVar's aggregate classification.